The following is an entry in ClinVar:

NM_006662.3(SRCAP):c.8518_8520del (p.Ser2840del)

Gene: SRCAP (Snf2 related CREBBP activator protein; plus strand). Cytogenetic location: 16p11.2.
Variant type: Deletion.
Coding change: c.8518_8520del on transcript NM_006662.3 (MANE Select); coding-DNA positions 8518 to 8520, 3 bases deleted (AGC; older notation c.8518_8520delAGC).
Protein change: p.Ser2840del; deletes serine 2840.
Molecular consequence: inframe deletion.
Genome position (GRCh38, 1-based): chr16:30,738,558-30,738,560, AGC deleted; deleting any 3 consecutive bases within chr16:30,738,556-30,738,560 gives the same sequence; the c. name uses the placement nearest the transcript's 3' end. VCF-style (leftmost placement, unchanged base first): chr16-30738555-GGCA-G. GRCh37 (hg19) VCF-style: chr16-30749876-GGCA-G.
Other names: short protein forms S2840del.
Identifiers: ClinVar variation 5017662 (VCV005017662.1).

ClinVar aggregate classification (germline): Uncertain significance (1 of 4 stars; one submission).

Submission:

GeneDx
Classification: Uncertain significance. Last evaluated: 2026-03-29. Review status: criteria provided, single submitter. Criteria: GeneDx Variant Classification Process June 2021. Collection method: clinical testing. Allele origin: germline.
Comment: Not observed at significant frequency in large population cohorts (gnomAD); In-frame deletion of 1 amino acid in a non-repeat region; In silico analysis suggests that this variant does not alter protein structure/function; Has not been previously published as pathogenic or benign to our knowledge